The following is an entry in ClinVar:

ClinVar aggregate classification (germline): Uncertain significance. Review status: criteria provided, multiple submitters, no conflicts (2 of 4 stars). 2 submissions from 2 submitters: Uncertain significance (2). Last evaluated 2025-06-13.

Conditions:
Muscular dystrophy-dystroglycanopathy type B6 (MDDGB6). Also called: MUSCULAR DYSTROPHY-DYSTROGLYCANOPATHY (CONGENITAL WITH IMPAIRED INTELLECTUAL DEVELOPMENT), TYPE B, 6; MUSCULAR DYSTROPHY, CONGENITAL, LARGE-RELATED; MUSCULAR DYSTROPHY, CONGENITAL, TYPE 1D. Identifiers: MedGen C1837229, MONDO:0012138, OMIM 608840.
Muscular dystrophy-dystroglycanopathy (congenital with brain and eye anomalies), type A6. Also called: MUSCULAR DYSTROPHY-DYSTROGLYCANOPATHY (CONGENITAL WITH BRAIN AND EYE ANOMALIES), TYPE A, 6; WALKER-WARBURG SYNDROME OR MUSCLE-EYE-BRAIN DISEASE, LARGE-RELATED. Identifiers: Orphanet 588, Orphanet 899, MedGen C3150414, MONDO:0013158, OMIM 613154.

Allele frequency attached by ClinVar (database versions not stated): gnomAD exomes below 0.00001 and 0.00001; gnomAD 0.00001; TOPMed 0.00001; ExAC 0.00002; ESP Exome Variant Server 0.00008.
gnomAD v4.1: 22 of 1,614,212 alleles (0.0014%); highest among the groups gnomAD compares: Non-Finnish European, 0.0018%; no homozygotes.

Submissions (2):

Revvity Omics, Revvity
Classification: Uncertain significance. Last evaluated: 2025-06-13. Review status: criteria provided, single submitter. Criteria: ACMG Guidelines, 2015. Collection method: clinical testing. Allele origin: germline.

Labcorp Genetics (formerly Invitae), Labcorp
Classification: Uncertain significance for Muscular dystrophy-dystroglycanopathy type B6. Last evaluated: 2024-02-23. Review status: criteria provided, single submitter. Criteria: Invitae Variant Classification Sherloc (09022015). Collection method: clinical testing. Allele origin: germline.
Comment: This sequence change replaces alanine, which is neutral and non-polar, with threonine, which is neutral and polar, at codon 635 of the LARGE1 protein (p.Ala635Thr). This variant is present in population databases (rs150325234, gnomAD 0.002%). This variant has not been reported in the literature in individuals affected with LARGE1-related conditions. ClinVar contains an entry for this variant (Variation ID: 1006789). Advanced modeling of protein sequence and biophysical properties (such as structural, functional, and spatial information, amino acid conservation, physicochemical variation, residue mobility, and thermodynamic stability) has been performed at Invitae for this missense variant, however the output from this modeling did not meet the statistical confidence thresholds required to predict the impact of this variant on LARGE1 protein function. In summary, the available evidence is currently insufficient to determine the role of this variant in disease. Therefore, it has been classified as a Variant of Uncertain Significance.

NM_133642.5(LARGE1):c.1903G>A (p.Ala635Thr)

Gene: LARGE1 (LARGE xylosyl- and glucuronyltransferase 1; minus strand). Cytogenetic location: 22q12.3.
Variant type: single nucleotide variant.
Coding change: c.1903G>A on transcript NM_133642.5 (MANE Select); coding-DNA position 1903, G replaced by A.
Protein change: p.Ala635Thr; replaces alanine 635 with threonine.
Molecular consequence: missense variant.
Genome position (GRCh38, 1-based): chr22:33,277,230, C>T on the plus strand (G>A on the coding strand, the complement: LARGE1 is on the minus strand). VCF-style: chr22-33277230-C-T. GRCh37 (hg19) VCF-style: chr22-33673216-C-T.
Other names: c.1903G>A, p.Ala635Thr (NM_001362949.2, NM_001362951.2, NM_001362953.2 and 4 more transcripts); c.1756G>A, p.Ala586Thr (NM_001378627.1, NM_001378628.1); c.1747G>A, p.Ala583Thr (NM_001378629.1); c.1300G>A, p.Ala434Thr (NM_001378630.1); c.997G>A, p.Ala333Thr (NM_001378631.1); c.1903G>A (NM_004737.6); short protein forms A333T, A434T, A583T, A586T, A635T.
Identifiers: ClinVar variation 1006789 (VCV001006789.11), dbSNP rs150325234, ClinGen allele CA10202609.